The following is an entry in ClinVar:

ClinVar aggregate classification (germline): Uncertain significance (1 of 4 stars; one submission).

Conditions:
Microcephaly, normal intelligence and immunodeficiency (NBS). Also called: BERLIN BREAKAGE SYNDROME; Nijmegen breakage syndrome; Microcephaly with normal intelligence immunodeficiency and lymphoreticular malignancies; Nonsyndromal microcephaly autosomal recessive with normal intelligence; Seemanova syndrome 2; Ataxia telangiectasia variant V1. Identifiers: Orphanet 647, MedGen C0398791, MONDO:0009623, OMIM 251260.

Allele frequency attached by ClinVar (database versions not stated): gnomAD exomes below 0.00001.
gnomAD v4.1: 1 of 1,613,934 alleles (0.000062%); highest among the groups gnomAD compares: Non-Finnish European, 0.000085%; no homozygotes.

Submission:

Labcorp Genetics (formerly Invitae), Labcorp
Classification: Uncertain significance for Microcephaly, normal intelligence and immunodeficiency. Last evaluated: 2021-02-21. Review status: criteria provided, single submitter. Criteria: Invitae Variant Classification Sherloc (09022015). Collection method: clinical testing. Allele origin: germline.
Comment: This sequence change replaces leucine with serine at codon 251 of the NBN protein (p.Leu251Ser). The leucine residue is highly conserved and there is a large physicochemical difference between leucine and serine. This variant is not present in population databases (ExAC no frequency). This variant has not been reported in the literature in individuals with NBN-related conditions. Algorithms developed to predict the effect of missense changes on protein structure and function are either unavailable or do not agree on the potential impact of this missense change (SIFT: "Tolerated"; PolyPhen-2: "Probably Damaging"; Align-GVGD: "Class C0"). In summary, the available evidence is currently insufficient to determine the role of this variant in disease. Therefore, it has been classified as a Variant of Uncertain Significance.

NM_002485.5(NBN):c.752T>C (p.Leu251Ser)

Gene: NBN (nibrin; minus strand). Cytogenetic location: 8q21.3.
Variant type: single nucleotide variant.
Coding change: c.752T>C on transcript NM_002485.5 (MANE Select); coding-DNA position 752, T replaced by C.
Protein change: p.Leu251Ser; replaces leucine 251 with serine.
Molecular consequence: missense variant.
Genome position (GRCh38, 1-based): chr8:89,970,508, A>G on the plus strand (T>C on the coding strand, the complement: NBN is on the minus strand). VCF-style: chr8-89970508-A-G. GRCh37 (hg19) VCF-style: chr8-90982736-A-G.
Other names: c.506T>C, p.Leu169Ser (NM_001024688.3); short protein forms L169S, L251S.
Identifiers: ClinVar variation 1512498 (VCV001512498.8), dbSNP rs2129830556, ClinGen allele CA371658773.
Genomic context (GRCh38, chr8:89,970,508, plus strand): 5'-ACAACACACGTTCCCGGAGCCAAAAAGAAATTATGTTCTTCTTCATTCTCTTCTGTTATC[A>G]ACCTAGCTTCCCCACCTCCAAAGACAACTGCGGAACTCAATTTCTTATGCTAAAAATGGA-3'
Protein context (NP_002476.2, residues 241-261): AVVFGGGEAR[Leu251Ser]ITEENEEEHN